The following is an entry in ClinVar:

ClinVar aggregate classification (germline): Likely benign (1 of 4 stars; one submission).

Conditions:
BBS9-related disorder. Also called: BBS9-related condition.

Submission:

PreventionGenetics, part of Exact Sciences
Classification: Likely benign for BBS9-related condition. Last evaluated: 2026-07-02. Review status: criteria provided, single submitter. Criteria: ACMG Guidelines, 2015. Collection method: clinical testing. Allele origin: germline.
Comment: This variant is classified as likely benign based on ACMG/AMP sequence variant interpretation guidelines (Richards et al. 2015 PMID: 25741868, with internal and published modifications).

NC_000007.14:g.33635281A>G

Gene: BBS9 (Bardet-Biedl syndrome 9; plus strand). Cytogenetic location: 7p14.3.
Variant type: single nucleotide variant.
Molecular consequence: 3 prime UTR variant (on NM_001348041.4).
Genome position: GRCh38 VCF-style: chr7-33635281-A-G. GRCh37 (hg19) VCF-style: chr7-33674893-A-G.
Other names: c.*10A>G (NM_001348041.4, NM_001362679.1).
Identifiers: ClinVar variation 4983255 (VCV004983255.1).